The following is an entry in ClinVar:

NM_015378.4(VPS13D):c.5800A>G (p.Arg1934Gly)

Gene: VPS13D (vacuolar protein sorting 13 homolog D; plus strand). Cytogenetic location: 1p36.22.
Variant type: single nucleotide variant.
Coding change: c.5800A>G on transcript NM_015378.4 (MANE Select); coding-DNA position 5800, A replaced by G.
Protein change: p.Arg1934Gly; replaces arginine 1934 with glycine.
Molecular consequence: missense variant.
Genome position (GRCh38, 1-based): chr1:12,291,072, A>G. VCF-style: chr1-12291072-A-G. GRCh37 (hg19) VCF-style: chr1-12351129-A-G.
Other names: c.5800A>G, p.Arg1934Gly (NM_018156.4); short protein forms R1934G.
Identifiers: ClinVar variation 1966582 (VCV001966582.7), dbSNP rs374465325, ClinGen allele CA602423.
Genomic context (GRCh38, chr1:12,291,072, plus strand): 5'-TTACAGGGCAGCATTGGGAGTCTGTCTCTAAGTGACCTCACATGCCATGGAGAGTTCTAC[A>G]GAGAACGGTTCACTACCAGTGGTGAAGAAGCACTCATCTTCCAGACTTTTAAGTAAAAAT-3'
Protein context (NP_056193.2, residues 1924-1944): SDLTCHGEFY[Arg1934Gly]ERFTTSGEEA

ClinVar aggregate classification (germline): Uncertain significance. Review status: criteria provided, multiple submitters, no conflicts (2 of 4 stars). 3 submissions from 3 submitters: Uncertain significance (3). Last evaluated 2025-09-07.

Conditions:
Inborn genetic diseases. Identifiers: MedGen C0950123, MeSH D030342.

Allele frequency attached by ClinVar (database versions not stated): ExAC 0.00011; ESP Exome Variant Server 0.00015; gnomAD 0.00026; TOPMed 0.00027; 1000 Genomes Project 0.00040; 1000 Genomes Project 30x 0.00047.
gnomAD v4.1: 101 of 1,614,106 alleles (0.0063%); highest among the groups gnomAD compares: African/African-American, 0.11%; no homozygotes.

Submissions (3):

Labcorp Genetics (formerly Invitae), Labcorp
Classification: Uncertain significance. Last evaluated: 2025-09-07. Review status: criteria provided, single submitter. Criteria: Invitae Variant Classification Sherloc (09022015). Collection method: clinical testing. Allele origin: germline.
Comment: This sequence change replaces arginine, which is basic and polar, with glycine, which is neutral and non-polar, at codon 1934 of the VPS13D protein (p.Arg1934Gly). This variant is present in population databases (rs374465325, gnomAD 0.1%). This variant has not been reported in the literature in individuals affected with VPS13D-related conditions. ClinVar contains an entry for this variant (Variation ID: 1966582). Invitae Evidence Modeling of protein sequence and biophysical properties (such as structural, functional, and spatial information, amino acid conservation, physicochemical variation, residue mobility, and thermodynamic stability) indicates that this missense variant is not expected to disrupt VPS13D protein function with a negative predictive value of 80%. In summary, the available evidence is currently insufficient to determine the role of this variant in disease. Therefore, it has been classified as a Variant of Uncertain Significance.

Blueprint Genetics
Classification: Uncertain significance. Last evaluated: 2024-03-01. Review status: criteria provided, single submitter. Criteria: ACMG Guidelines, 2015. Collection method: clinical testing. Allele origin: germline.

Ambry Genetics
Classification: Uncertain significance for Inborn genetic diseases. Last evaluated: 2022-09-14. Review status: criteria provided, single submitter. Criteria: Ambry Variant Classification Scheme 2023. Collection method: clinical testing. Allele origin: germline.